The following is an entry in ClinVar:

NM_182919.4(TICAM1):c.826C>T (p.Pro276Ser)

Gene: TICAM1 (TIR domain containing adaptor molecule 1; minus strand). Cytogenetic location: 19p13.3.
Variant type: single nucleotide variant.
Coding change: c.826C>T on transcript NM_182919.4 (MANE Select); coding-DNA position 826, C replaced by T.
Protein change: p.Pro276Ser; replaces proline 276 with serine.
Molecular consequence: missense variant.
Genome position (GRCh38, 1-based): chr19:4,817,552, G>A on the plus strand (C>T on the coding strand, the complement: TICAM1 is on the minus strand). VCF-style: chr19-4817552-G-A. GRCh37 (hg19) VCF-style: chr19-4817564-G-A.
Other names: c.826C>T (NM_182919.2); c.784C>T, p.Pro262Ser (NM_001385678.1); c.691C>T, p.Pro231Ser (NM_001385679.1); c.184C>T, p.Pro62Ser (NM_001385680.1); short protein forms P276S, P231S, P262S, P62S.
Identifiers: ClinVar variation 653357 (VCV000653357.9), dbSNP rs1032622935, ClinGen allele CA304548101.

ClinVar aggregate classification (germline): Uncertain significance. Review status: criteria provided, multiple submitters, no conflicts (2 of 4 stars). 2 submissions from 2 submitters: Uncertain significance (2). Last evaluated 2022-08-23.

Conditions:
Encephalopathy, acute, infection-induced (herpes-specific), susceptibility to, 6. Also called: Herpes simplex encephalitis, susceptibility to, 4. Identifiers: Orphanet 1930, MedGen C3553869, MONDO:0013921, OMIM 614850.

Allele frequency attached by ClinVar (database versions not stated): TOPMed 0.00002; gnomAD 0.00003 and 0.00001; gnomAD exomes 0.00001 and 0.00003.
gnomAD v4.1: 22 of 1,612,956 alleles (0.0014%); highest among the groups gnomAD compares: Admixed American, 0.017%; no homozygotes.

Submissions (2):

Labcorp Genetics (formerly Invitae), Labcorp
Classification: Uncertain significance for Encephalopathy, acute, infection-induced (herpes-specific), susceptibility to, 6. Last evaluated: 2022-08-23. Review status: criteria provided, single submitter. Criteria: Invitae Variant Classification Sherloc (09022015). Collection method: clinical testing. Allele origin: germline.
Comment: This sequence change replaces proline, which is neutral and non-polar, with serine, which is neutral and polar, at codon 276 of the TICAM1 protein (p.Pro276Ser). This variant is present in population databases (no rsID available, gnomAD 0.02%). This variant has not been reported in the literature in individuals affected with TICAM1-related conditions. ClinVar contains an entry for this variant (Variation ID: 653357). Algorithms developed to predict the effect of missense changes on protein structure and function output the following: SIFT: "Deleterious"; PolyPhen-2: "Benign"; Align-GVGD: "Class C0". The serine amino acid residue is found in multiple mammalian species, which suggests that this missense change does not adversely affect protein function. In summary, the available evidence is currently insufficient to determine the role of this variant in disease. Therefore, it has been classified as a Variant of Uncertain Significance.

Ambry Genetics
Classification: Uncertain significance. Last evaluated: 2021-08-02. Review status: criteria provided, single submitter. Criteria: Ambry Variant Classification Scheme 2023. Collection method: clinical testing. Allele origin: germline.